The following is an entry in ClinVar:

NM_001009944.3(PKD1):c.11713-29_11713-26del

Gene: PKD1 (polycystin 1, transient receptor potential channel interacting; minus strand). Cytogenetic location: 16p13.3.
Variant type: Microsatellite.
Coding change: c.11713-29_11713-26del on transcript NM_001009944.3 (MANE Select); 29 bases into the intron before coding-DNA position 11713 through 26 bases into the intron before coding-DNA position 11713, 4 bases deleted (TCCC; older notation c.11713-29_11713-26delTCCC).
Molecular consequence: intron variant.
Genome position (GRCh38, 1-based): chr16:2,091,200-2,091,203, GGGA deleted on the plus strand (TCCC on the coding strand, the reverse complement: PKD1 is on the minus strand); deleting any 4 consecutive bases within chr16:2,091,200-2,091,207 gives the same sequence; the c. name uses the placement nearest the transcript's 3' end. VCF-style (leftmost placement, unchanged base first): chr16-2091199-CGGGA-C. GRCh37 (hg19) VCF-style: chr16-2141200-CGGGA-C.
Other names: c.11710-29_11710-26del (NM_000296.4).
Identifiers: ClinVar variation 4995205 (VCV004995205.1).

ClinVar aggregate classification (germline): Likely benign (1 of 4 stars; one submission).

Conditions:
PKD1-related disorder. Also called: PKD1-related condition.

Submission:

PreventionGenetics, part of Exact Sciences
Classification: Likely benign for PKD1-related condition. Last evaluated: 2025-12-02. Review status: criteria provided, single submitter. Criteria: ACMG Guidelines, 2015. Collection method: clinical testing. Allele origin: germline.
Comment: This variant is classified as likely benign based on ACMG/AMP sequence variant interpretation guidelines (Richards et al. 2015 PMID: 25741868, with internal and published modifications).